The following is an entry in ClinVar:

ClinVar aggregate classification (germline): Uncertain significance (1 of 4 stars; one submission).

Conditions:
Familial adenomatous polyposis 1 (FAP1). Also called: FAMILIAL ADENOMATOUS POLYPOSIS 1, ATTENUATED; POLYPOSIS, ADENOMATOUS INTESTINAL. Identifiers: MedGen C2713442, MONDO:0021056, OMIM 175100. Disease mechanism: loss of function.

gnomAD v4.1: 1 of 1,370,538 alleles (0.000073%); highest among the groups gnomAD compares: Non-Finnish European, 0.000096%; no homozygotes.

Submission:

Labcorp Genetics (formerly Invitae), Labcorp
Classification: Uncertain significance for Familial adenomatous polyposis 1. Last evaluated: 2023-06-22. Review status: criteria provided, single submitter. Criteria: Invitae Variant Classification Sherloc (09022015). Collection method: clinical testing. Allele origin: germline.
Comment: In summary, the available evidence is currently insufficient to determine the role of this variant in disease. Therefore, it has been classified as a Variant of Uncertain Significance. Experimental studies and prediction algorithms are not available or were not evaluated, and the functional significance of this variant is currently unknown. This variant has not been reported in the literature in individuals affected with APC-related conditions. This variant is not present in population databases (gnomAD no frequency). This variant occurs in a non-coding region of the APC gene. It does not change the encoded amino acid sequence of the APC protein.

NM_001127511.3(APC):c.119G>T (p.Ser40Ile)

Gene: APC (APC regulator of Wnt signaling pathway; plus strand). Cytogenetic location: 5q22.2.
Variant type: single nucleotide variant.
Coding change: c.119G>T on transcript NM_001127511.3; coding-DNA position 119, G replaced by T.
Protein change: p.Ser40Ile; replaces serine 40 with isoleucine.
Molecular consequence: missense variant. On other transcripts: 5 prime UTR variant (8), non-coding transcript variant (1), intron variant (5).
Genome position (GRCh38, 1-based): chr5:112,707,836, G>T. VCF-style: chr5-112707836-G-T. GRCh37 (hg19) VCF-style: chr5-112043533-G-T.
Other names: c.-65G>T (NM_001354895.2, NM_001407447.1, NM_001407452.1 and 3 more transcripts); c.119G>T, p.Ser40Ile (NM_001354897.2, NM_001354902.2, NM_001407446.1); c.-1100G>T (NM_001407470.1, NM_001407472.1); c.-19+187G>T (NM_001407448.1, NM_001407450.1, NM_001407457.1 and 1 more transcripts); c.-43+187G>T (NM_001407453.1); short protein forms S40I.
Identifiers: ClinVar variation 1017870 (VCV001017870.8), dbSNP rs587778028, ClinGen allele CA360612039.